The following is an entry in ClinVar:

ClinVar aggregate classification (germline): Uncertain significance. Review status: criteria provided, multiple submitters, no conflicts (2 of 4 stars). 2 submissions from 2 submitters: Uncertain significance (2). Last evaluated 2023-01-10.

Conditions:
Loeys-Dietz syndrome (LDS). Identifiers: Orphanet 60030, MedGen C2697932, MONDO:0018954.
Familial thoracic aortic aneurysm and aortic dissection (TAAD). Also called: Thoracic aortic aneurysms and dissections. Identifiers: Orphanet 91387, MedGen C4707243, MONDO:0019625.

Allele frequency attached by ClinVar (database versions not stated): gnomAD exomes below 0.00001; TOPMed below 0.00001.

Submissions (2):

All of Us Research Program, National Institutes of Health
Classification: Uncertain significance for Loeys-Dietz syndrome. Last evaluated: 2023-01-10. Review status: criteria provided, single submitter. Criteria: ACMG Guidelines, 2015. Collection method: clinical testing. Allele origin: germline. Inheritance: Autosomal dominant inheritance. Observed: 1 variant allele, 1 heterozygote.
Comment: This variant causes a deletion of one nucleotide in intron 4 of the TGFBR1 gene. Splice site prediction tools predict that this variant may have a significant impact on RNA splicing. To our knowledge, functional studies have not been reported for this variant. This variant has not been reported in individuals affected with cardiovascular disorders in the literature. This variant has been identified in 1/250834 chromosomes in the general population by the Genome Aggregation Database (gnomAD). The available evidence is insufficient to determine the role of this variant in disease conclusively. Therefore, this variant is classified as a Variant of Uncertain Significance.

This study involves interpretation of variants in research participants for the purpose of population health screening. Participant phenotype was not available at the time of variant classification. Additional details can be found in publication PMID: 35346344, PMCID: PMC8962531

Color Diagnostics, LLC DBA Color Health
Classification: Uncertain significance for Familial thoracic aortic aneurysm and aortic dissection. Last evaluated: 2022-12-09. Review status: criteria provided, single submitter. Criteria: ACMG Guidelines, 2015. Collection method: clinical testing. Allele origin: germline.
Comment: This variant causes a deletion of one nucleotide in intron 4 of the TGFBR1 gene. Splice site prediction tools predict that this variant may have a significant impact on RNA splicing. To our knowledge, functional studies have not been reported for this variant. This variant has not been reported in individuals affected with cardiovascular disorders in the literature. This variant has been identified in 1/250834 chromosomes in the general population by the Genome Aggregation Database (gnomAD). The available evidence is insufficient to determine the role of this variant in disease conclusively. Therefore, this variant is classified as a Variant of Uncertain Significance.

NM_004612.4(TGFBR1):c.805+5del

Gene: TGFBR1 (transforming growth factor beta receptor 1; plus strand). Cytogenetic location: 9q22.33.
Variant type: Deletion.
Coding change: c.805+5del on transcript NM_004612.4 (MANE Select); 5 bases into the intron after coding-DNA position 805, one base deleted (G; older notation c.805+5delG).
Molecular consequence: intron variant.
Genome position (GRCh38, 1-based): chr9:99,138,094, G deleted. VCF-style (leftmost placement, unchanged base first): chr9-99138093-TG-T. GRCh37 (hg19) VCF-style: chr9-101900375-TG-T.
Other names: c.817+5del (NM_001306210.2); c.574+5del (NM_001130916.3).
Identifiers: ClinVar variation 1332007 (VCV001332007.5), dbSNP rs1300823570, ClinGen allele CA589361520.